The following is an entry in ClinVar:

NM_004448.4(ERBB2):c.2172G>C (p.Lys724Asn)

Gene: ERBB2 (erb-b2 receptor tyrosine kinase 2; plus strand). Cytogenetic location: 17q12.
Variant type: single nucleotide variant.
Coding change: c.2172G>C on transcript NM_004448.4 (MANE Select); coding-DNA position 2172, G replaced by C.
Protein change: p.Lys724Asn; replaces lysine 724 with asparagine.
Molecular consequence: missense variant. On other transcripts: non-coding transcript variant (1), intron variant (3).
Genome position (GRCh38, 1-based): chr17:39,723,624, G>C. VCF-style: chr17-39723624-G-C. GRCh37 (hg19) VCF-style: chr17-37879877-G-C.
Other names: c.2082G>C, p.Lys694Asn (NM_001005862.3, NM_001382782.1, NM_001382783.1); c.2127G>C, p.Lys709Asn (NM_001289936.2); c.2172G>C, p.Lys724Asn (NM_001289937.2, NM_001382797.1, NM_001382798.1 and 4 more transcripts); c.2289G>C, p.Lys763Asn (NM_001382784.1, NM_001382786.1); c.2274G>C, p.Lys758Asn (NM_001382785.1); c.1992G>C, p.Lys664Asn (NM_001382799.1); c.2124G>C, p.Lys708Asn (NM_001382801.1, NM_001382795.1); c.1914G>C, p.Lys638Asn (NM_001382802.1); and 9 more; short protein forms K448N, K638N, K664N, K694N, K708N, K709N, K710N, K721N.
Identifiers: ClinVar variation 3622105 (VCV003622105.2).

ClinVar aggregate classification (germline): Uncertain significance (1 of 4 stars; one submission).

Submission:

Labcorp Genetics (formerly Invitae), Labcorp
Classification: Uncertain significance. Last evaluated: 2024-11-05. Review status: criteria provided, single submitter. Criteria: Invitae Variant Classification Sherloc (09022015). Collection method: clinical testing. Allele origin: germline.
Comment: This sequence change replaces lysine, which is basic and polar, with asparagine, which is neutral and polar, at codon 724 of the ERBB2 protein (p.Lys724Asn). This variant is not present in population databases (gnomAD no frequency). This variant has not been reported in the literature in individuals affected with ERBB2-related conditions. Invitae Evidence Modeling of protein sequence and biophysical properties (such as structural, functional, and spatial information, amino acid conservation, physicochemical variation, residue mobility, and thermodynamic stability) has been performed for this missense variant. However, the output from this modeling did not meet the statistical confidence thresholds required to predict the impact of this variant on ERBB2 protein function. In summary, the available evidence is currently insufficient to determine the role of this variant in disease. Therefore, it has been classified as a Variant of Uncertain Significance.